The following is an entry in ClinVar:

ClinVar aggregate classification (germline): Conflicting classifications of pathogenicity. Review status: criteria provided, conflicting classifications (1 of 4 stars). 2 submissions from 2 submitters: Uncertain significance (1); Benign (1). Last evaluated 2025-09-10.

Conditions:
Primary ciliary dyskinesia. Also called: Ciliary dyskinesia. Identifiers: Orphanet 244, MedGen C0008780, MONDO:0016575, HP:0012265.

Allele frequency attached by ClinVar (database versions not stated): ExAC 0.00002; gnomAD exomes 0.00003; gnomAD 0.00004; TOPMed 0.00005; ESP Exome Variant Server 0.00008.
gnomAD v4.1: 85 of 1,611,926 alleles (0.0053%); highest among the groups gnomAD compares: Non-Finnish European, 0.0066%; no homozygotes.

Submissions (2):

Labcorp Genetics (formerly Invitae), Labcorp
Classification: Benign for Primary ciliary dyskinesia. Last evaluated: 2025-09-10. Review status: criteria provided, single submitter. Criteria: Invitae Variant Classification Sherloc (09022015). Collection method: clinical testing. Allele origin: germline.

Ambry Genetics
Classification: Uncertain significance for Primary ciliary dyskinesia. Last evaluated: 2023-12-31. Review status: criteria provided, single submitter. Criteria: Ambry Variant Classification Scheme 2023. Collection method: clinical testing. Allele origin: germline.
Comment: The p.M3788T variant (also known as c.11363T>C), located in coding exon 69 of the DNAH11 gene, results from a T to C substitution at nucleotide position 11363. The methionine at codon 3788 is replaced by threonine, an amino acid with similar properties. This amino acid position is not well conserved in available vertebrate species. In addition, this alteration is predicted to be tolerated by in silico analysis. Since supporting evidence is limited at this time, the clinical significance of this alteration remains unclear.

NM_001277115.2(DNAH11):c.11363T>C (p.Met3788Thr)

Gene: DNAH11 (dynein axonemal heavy chain 11; plus strand). Cytogenetic location: 7p15.3.
Variant type: single nucleotide variant.
Coding change: c.11363T>C on transcript NM_001277115.2 (MANE Select); coding-DNA position 11363, T replaced by C.
Protein change: p.Met3788Thr; replaces methionine 3788 with threonine.
Molecular consequence: missense variant.
Genome position (GRCh38, 1-based): chr7:21,862,013, T>C. VCF-style: chr7-21862013-T-C. GRCh37 (hg19) VCF-style: chr7-21901631-T-C.
Other names: short protein forms M3788T.
Identifiers: ClinVar variation 1426120 (VCV001426120.10), dbSNP rs374799169, ClinGen allele CA4182715.